The following is an entry in ClinVar:

ClinVar aggregate classification (germline): Pathogenic (1 of 4 stars; one submission).

Conditions:
Bethlem myopathy 1A. Also called: Bethlem Muscular Dystrophy; MYOPATHY, BENIGN CONGENITAL, WITH CONTRACTURES; Bethlem myopathy 1. Identifiers: Orphanet 610, MedGen CN029274, MONDO:0024530, OMIM 158810.

Submission:

Labcorp Genetics (formerly Invitae), Labcorp
Classification: Pathogenic for Bethlem myopathy 1A. Last evaluated: 2024-02-24. Review status: criteria provided, single submitter. Criteria: Invitae Variant Classification Sherloc (09022015). Collection method: clinical testing. Allele origin: germline.
Comment: This sequence change creates a premature translational stop signal (p.Gln2039Alafs*28) in the COL6A3 gene. It is expected to result in an absent or disrupted protein product. Loss-of-function variants in COL6A3 are known to be pathogenic (PMID: 26004199). This variant is not present in population databases (gnomAD no frequency). This variant has not been reported in the literature in individuals affected with COL6A3-related conditions. ClinVar contains an entry for this variant (Variation ID: 1069649). For these reasons, this variant has been classified as Pathogenic.

Literature cited by the submitters: PubMed 26004199.

NM_004369.4(COL6A3):c.6114dup (p.Gln2039fs)

Gene: COL6A3 (collagen type VI alpha 3 chain; minus strand). Cytogenetic location: 2q37.3.
Variant type: Duplication.
Coding change: c.6114dup on transcript NM_004369.4 (MANE Select); coding-DNA position 6114, one base duplicated (G; older notation c.6114dupG).
Protein change: p.Gln2039fs; shifts the reading frame from glutamine 2039.
Molecular consequence: frameshift variant.
Genome position (GRCh38, 1-based): chr2:237,361,781, C duplicated on the plus strand (G on the coding strand, the reverse complement: COL6A3 is on the minus strand); the first of 3 consecutive C bases (chr2:237,361,781-237,361,783); duplicating any one gives the same sequence. VCF-style (leftmost placement, unchanged base first): chr2-237361780-G-GC. GRCh37 (hg19) VCF-style: chr2-238270423-G-GC.
Other names: c.4293dup, p.Gln1432fs (NM_057166.5); c.5496dup, p.Gln1833fs (NM_057167.4); short protein forms Q1432fs, Q1833fs, Q2039fs.
Identifiers: ClinVar variation 1069649 (VCV001069649.7), dbSNP rs2106344225, ClinGen allele CA2499215800.